The following is an entry in ClinVar:

ClinVar aggregate classification (germline): Uncertain significance (1 of 4 stars; one submission).

Conditions:
FBN2-related disorder. Also called: FBN2-related condition.

Allele frequency attached by ClinVar (database versions not stated): TOPMed below 0.00001.

Submission:

PreventionGenetics, part of Exact Sciences
Classification: Uncertain significance for FBN2-related condition. Last evaluated: 2023-07-24. Review status: criteria provided, single submitter. Criteria: ACMG Guidelines, 2015. Collection method: clinical testing. Allele origin: germline.
Comment: The FBN2 c.7561T>C variant is predicted to result in the amino acid substitution p.Tyr2521His. This variant has not been reported in a large population database, indicating this variant is rare. At this time, the clinical significance of this variant is uncertain due to the absence of conclusive functional and genetic evidence.

NM_001999.4(FBN2):c.7561T>C (p.Tyr2521His)

Gene: FBN2 (fibrillin 2; minus strand). Cytogenetic location: 5q23.3.
Variant type: single nucleotide variant.
Coding change: c.7561T>C on transcript NM_001999.4 (MANE Select); coding-DNA position 7561, T replaced by C.
Protein change: p.Tyr2521His; replaces tyrosine 2521 with histidine.
Molecular consequence: missense variant.
Genome position (GRCh38, 1-based): chr5:128,276,071, A>G on the plus strand (T>C on the coding strand, the complement: FBN2 is on the minus strand). VCF-style: chr5-128276071-A-G. GRCh37 (hg19) VCF-style: chr5-127611763-A-G.
Other names: short protein forms Y2521H.
Identifiers: ClinVar variation 2632294 (VCV002632294.1), dbSNP rs1765388079, ClinGen allele CA360753743.